The following is an entry in ClinVar:

ClinVar aggregate classification (germline): Conflicting classifications of pathogenicity. Review status: criteria provided, conflicting classifications (1 of 4 stars). 2 submissions from 2 submitters: Uncertain significance (1); Likely benign (1). Last evaluated 2026-02-25.

Conditions:
Shprintzen-Goldberg syndrome (SGS). Also called: SHPRINTZEN-GOLDBERG CRANIOSYNOSTOSIS SYNDROME; CRANIOSYNOSTOSIS WITH ARACHNODACTYLY AND ABDOMINAL HERNIAS; Marfanoid disorder with craniosynostosis type 1; Marfanoid craniosynostosis syndrome; Shprintzen-Goldberg marfanoid syndrome. Identifiers: Orphanet 2462, MedGen C1321551, MONDO:0008426, OMIM 182212.

Allele frequency attached by ClinVar (database versions not stated): gnomAD exomes 0.00001.
gnomAD v4.1: 5 of 1,612,956 alleles (0.00031%); highest among the groups gnomAD compares: Non-Finnish European, 0.00034%; no homozygotes.

Submissions (2):

GeneDx
Classification: Uncertain significance. Last evaluated: 2026-02-25. Review status: criteria provided, single submitter. Criteria: GeneDx Variant Classification Process June 2021. Collection method: clinical testing. Allele origin: germline.
Comment: Has not been previously published as pathogenic or benign to our knowledge; Not observed in large population cohorts (gnomAD); In silico analysis suggests this variant may impact gene splicing. In the absence of RNA/functional studies, the actual effect of this sequence change is unknown.

Labcorp Genetics (formerly Invitae), Labcorp
Classification: Likely benign for Shprintzen-Goldberg syndrome. Last evaluated: 2026-01-18. Review status: criteria provided, single submitter. Criteria: Invitae Variant Classification Sherloc (09022015). Collection method: clinical testing. Allele origin: germline.

NM_003036.4(SKI):c.1096-8C>G

Gene: SKI (SKI proto-oncogene; plus strand). Cytogenetic location: 1p36.32.
Variant type: single nucleotide variant.
Coding change: c.1096-8C>G on transcript NM_003036.4 (MANE Select); 8 bases into the intron before coding-DNA position 1096, C replaced by G.
Molecular consequence: intron variant.
Genome position (GRCh38, 1-based): chr1:2,303,277, C>G. VCF-style: chr1-2303277-C-G. GRCh37 (hg19) VCF-style: chr1-2234716-C-G.
Identifiers: ClinVar variation 2884570 (VCV002884570.4), dbSNP rs1161351575, ClinGen allele CA1149512007.